The following is an entry in ClinVar:

NM_020686.6(ABAT):c.158C>T (p.Pro53Leu)

Gene: ABAT (4-aminobutyrate aminotransferase; plus strand). Cytogenetic location: 16p13.2.
Variant type: single nucleotide variant.
Coding change: c.158C>T on transcript NM_020686.6 (MANE Select); coding-DNA position 158, C replaced by T.
Protein change: p.Pro53Leu; replaces proline 53 with leucine.
Molecular consequence: missense variant. On other transcripts: intron variant (2).
Genome position (GRCh38, 1-based): chr16:8,746,088, C>T. VCF-style: chr16-8746088-C-T. GRCh37 (hg19) VCF-style: chr16-8839945-C-T.
Other names: c.158C>T, p.Pro53Leu (NM_000663.5, NM_001127448.2, NM_001386600.1 and 11 more transcripts); c.23C>T, p.Pro8Leu (NM_001386611.1, NM_001386612.1, NM_001386613.1); c.71-2020C>T (NM_001386610.1); c.70+10279C>T (NM_001386614.1); short protein forms P53L, P8L.
Identifiers: ClinVar variation 386204 (VCV000386204.5), dbSNP rs903906856, ClinGen allele CA16608295.
Genomic context (GRCh38, chr16:8,746,088, plus strand): 5'-CCAAAGTCGACGTTGAATTTGATTATGATGGGCCTCTGATGAAGACGGAAGTCCCAGGGC[C>T]TAGATCTCAGGTGAGTTGAGCACACCTGAGTGGGGTATTTTGGAAAAGGGAAAAAGGCGC-3'
Protein context (NP_065737.2, residues 43-63): GPLMKTEVPG[Pro53Leu]RSQELMKQLN

ClinVar aggregate classification (germline): Uncertain significance. Review status: criteria provided, multiple submitters, no conflicts (2 of 4 stars). 2 submissions from 2 submitters: Uncertain significance (2). Last evaluated 2022-03-19.

Conditions:
Gamma-aminobutyric acid transaminase deficiency (GABATD). Also called: GABA aminotransaminase deficiency; GABA transaminase deficiency; Gamma aminobutyrate transaminase deficiency; 4 alpha aminobutyrate transaminase deficiency. Identifiers: Orphanet 2066, MedGen C0342708, MONDO:0013166, OMIM 613163.

Allele frequency attached by ClinVar (database versions not stated): gnomAD exomes 0.00001; TOPMed 0.00002.
gnomAD v4.1: 12 of 1,613,358 alleles (0.00074%); highest among the groups gnomAD compares: Admixed American, 0.012%; no homozygotes.

Submissions (2):

Labcorp Genetics (formerly Invitae), Labcorp
Classification: Uncertain significance for Gamma-aminobutyric acid transaminase deficiency. Last evaluated: 2022-03-19. Review status: criteria provided, single submitter. Criteria: Invitae Variant Classification Sherloc (09022015). Collection method: clinical testing. Allele origin: germline.
Comment: This sequence change replaces proline, which is neutral and non-polar, with leucine, which is neutral and non-polar, at codon 53 of the ABAT protein (p.Pro53Leu). This variant is present in population databases (no rsID available, gnomAD 0.02%). This variant has not been reported in the literature in individuals affected with ABAT-related conditions. ClinVar contains an entry for this variant (Variation ID: 386204). Algorithms developed to predict the effect of missense changes on protein structure and function are either unavailable or do not agree on the potential impact of this missense change (SIFT: "Deleterious"; PolyPhen-2: "Possibly Damaging"; Align-GVGD: "Class C0"). In summary, the available evidence is currently insufficient to determine the role of this variant in disease. Therefore, it has been classified as a Variant of Uncertain Significance.

GeneDx
Classification: Uncertain significance. Last evaluated: 2016-05-10. Review status: criteria provided, single submitter. Criteria: GeneDx Variant Classification (06012015). Collection method: clinical testing. Allele origin: germline. Affected: yes.
Comment: The P53L variant in the ABAT gene has not been reported previously as a pathogenic variant, nor as a benign variant, to our knowledge. The P53L variant was not observed in approximately 6500 individuals of European and African American ancestry in the NHLBI Exome Sequencing Project, indicating it is not a common benign variant in these populations. The P53L variant is a semi-conservative amino acid substitution, which may impact secondary protein structure as these residues differ in some properties. This substitution occurs at a position that is conserved across species and in silico analysis predicts this variant is probably damaging to the protein structure/function. We interpret P53L as a variant of uncertain significance.